The following is an entry in ClinVar:

NM_024876.4(COQ8B):c.66G>A (p.Trp22Ter)

Gene: COQ8B (coenzyme Q8B; minus strand). Cytogenetic location: 19q13.2.
Variant type: single nucleotide variant.
Coding change: c.66G>A on transcript NM_024876.4 (MANE Select); coding-DNA position 66, G replaced by A.
Protein change: p.Trp22Ter; replaces tryptophan 22 with a stop codon.
Molecular consequence: nonsense.
Genome position (GRCh38, 1-based): chr19:40,714,567, C>T on the plus strand (G>A on the coding strand, the complement: COQ8B is on the minus strand). VCF-style: chr19-40714567-C-T. GRCh37 (hg19) VCF-style: chr19-41220472-C-T.
Other names: c.66G>A, p.Trp22Ter (NM_001142555.3); short protein forms W22*.
Identifiers: ClinVar variation 5019038 (VCV005019038.2).

ClinVar aggregate classification (germline): Likely pathogenic (1 of 4 stars; one submission).

Conditions:
Nephrotic syndrome, type 9 (NPHS9). Identifiers: Orphanet 656, MedGen C3809965, MONDO:0014257, OMIM 615573.

Submission:

Juno Genomics, Hangzhou Juno Genomics, Inc
Classification: Likely pathogenic for Nephrotic syndrome, type 9. Review status: criteria provided, single submitter. Criteria: ACMG Guidelines, 2015. Collection method: clinical testing. Allele origin: germline.
Comment: Absent from controls (or at extremely low frequency if recessive) in Genome Aggregation Database.;Null variant in a gene where loss of function (LOF) is a known mechanism of disease.